The following is an entry in ClinVar:

NM_000075.4(CDK4):c.731T>A (p.Leu244Gln)

Genes: CDK4 (cyclin dependent kinase 4; minus strand), TSPAN31 (tetraspanin 31; plus strand). Cytogenetic location: 12q14.1.
Variant type: single nucleotide variant.
Coding change: c.731T>A on transcript NM_000075.4 (MANE Select); coding-DNA position 731, T replaced by A.
Protein change: p.Leu244Gln; replaces leucine 244 with glutamine.
Molecular consequence: missense variant. On other transcripts: 3 prime UTR variant (3).
Genome position (GRCh38, 1-based): chr12:57,749,270, A>T on the plus strand (T>A on the coding strand, the complement: CDK4 is on the minus strand). VCF-style: chr12-57749270-A-T. GRCh37 (hg19) VCF-style: chr12-58143053-A-T.
Other names: c.*1980A>T (NM_001330168.2, NM_001330169.2, NM_005981.5); short protein forms L244Q.
Identifiers: ClinVar variation 1758307 (VCV001758307.4), dbSNP rs2140382967, ClinGen allele CA385543458.

ClinVar aggregate classification (germline): Uncertain significance. Review status: criteria provided, multiple submitters, no conflicts (2 of 4 stars). 2 submissions from 2 submitters: Uncertain significance (2). Last evaluated 2024-08-11.

Conditions:
Hereditary cancer-predisposing syndrome. Also called: Neoplastic Syndromes, Hereditary; Tumor predisposition; Hereditary Cancer Syndrome; Hereditary neoplastic syndrome. Identifiers: Orphanet 140162, MedGen C0027672, MeSH D009386, MONDO:0015356.
Familial melanoma. Also called: Hereditary melanoma; Hereditary cutaneous melanoma. Identifiers: Orphanet 618, MedGen C1512419, MONDO:0018961.

Submissions (2):

Labcorp Genetics (formerly Invitae), Labcorp
Classification: Uncertain significance for Familial melanoma. Last evaluated: 2024-08-11. Review status: criteria provided, single submitter. Criteria: Invitae Variant Classification Sherloc (09022015). Collection method: clinical testing. Allele origin: germline.
Comment: This sequence change replaces leucine, which is neutral and non-polar, with glutamine, which is neutral and polar, at codon 244 of the CDK4 protein (p.Leu244Gln). This variant is not present in population databases (gnomAD no frequency). This variant has not been reported in the literature in individuals affected with CDK4-related conditions. ClinVar contains an entry for this variant (Variation ID: 1758307). An algorithm developed to predict the effect of missense changes on protein structure and function (PolyPhen-2) suggests that this variant is likely to be disruptive. In summary, the available evidence is currently insufficient to determine the role of this variant in disease. Therefore, it has been classified as a Variant of Uncertain Significance.

Ambry Genetics
Classification: Uncertain significance for Hereditary cancer-predisposing syndrome. Last evaluated: 2021-02-10. Review status: criteria provided, single submitter. Criteria: Ambry Variant Classification Scheme 2023. Collection method: clinical testing. Allele origin: germline.
Comment: The p.L244Q variant (also known as c.731T>A), located in coding exon 6 of the CDK4 gene, results from a T to A substitution at nucleotide position 731. The leucine at codon 244 is replaced by glutamine, an amino acid with dissimilar properties. This amino acid position is highly conserved in available vertebrate species. In addition, the in silico prediction for this alteration is inconclusive. Since supporting evidence is limited at this time, the clinical significance of this alteration remains unclear.